The following is an entry in ClinVar:

ClinVar aggregate classification (germline): Conflicting classifications of pathogenicity. Review status: criteria provided, conflicting classifications (1 of 4 stars). 8 submissions from 8 submitters: Uncertain significance (7); Likely benign (1). Last evaluated 2026-06-15.

Conditions:
TTN-related disorder. Also called: TTN-related condition; TTN-related disease; TTN-related disorders.
Dilated cardiomyopathy 1G (CMD1G). Identifiers: Orphanet 154, MedGen C1858763, MONDO:0011400, OMIM 604145.
Autosomal recessive limb-girdle muscular dystrophy type 2J (LGMDR10). Also called: Limb-girdle muscular dystrophy, type 2J; MUSCULAR DYSTROPHY, LIMB-GIRDLE, AUTOSOMAL RECESSIVE 10. Identifiers: Orphanet 140922, MedGen C1837342, MONDO:0012127, OMIM 608807.

Allele frequency attached by ClinVar (database versions not stated): gnomAD 0.00007; ESP Exome Variant Server 0.00008; TOPMed 0.00010.
gnomAD v4.1: 263 of 1,613,700 alleles (0.016%); highest among the groups gnomAD compares: Non-Finnish European, 0.02%; no homozygotes.

Submissions (8):

Women's Health and Genetics/Laboratory Corporation of America, LabCorp
Classification: Uncertain significance. Last evaluated: 2026-06-15. Review status: criteria provided, single submitter. Criteria: LabCorp Variant Classification Summary - May 2015. Collection method: clinical testing. Allele origin: germline.
Comment: Variant summary: TTN c.23461T>C (p.Cys7821Arg) results in a non-conservative amino acid change located in the I-band region of the encoded protein sequence. Algorithms developed to predict the effect of missense changes on protein structure and function are either unavailable or do not agree on the potential impact of this missense change. The variant allele was found at a frequency of 0.00016 in 1606706 control chromosomes (gnomAD). This frequency is not significantly higher than estimated for disease-causing variants in TTN, allowing no conclusion about variant significance. To our knowledge, no occurrence of c.23461T>C in individuals affected with TTN-related conditions and no experimental evidence demonstrating its impact on protein function have been reported. ClinVar contains an entry for this variant (Variation ID: 192006). Based on the evidence outlined above, the variant was classified as uncertain significance.

Mayo Clinic Laboratories, Mayo Clinic
Classification: Uncertain significance. Last evaluated: 2025-08-21. Review status: criteria provided, single submitter. Criteria: ACMG Guidelines, 2015. Collection method: clinical testing. Allele origin: germline. Observed: 2 variant alleles.

PreventionGenetics, part of Exact Sciences
Classification: Uncertain significance for TTN-related condition. Last evaluated: 2025-01-09. Review status: criteria provided, single submitter. Criteria: ACMG Guidelines, 2015. Collection method: clinical testing. Allele origin: germline.
Comment: The TTN c.27193T>C variant is predicted to result in the amino acid substitution p.Cys9065Arg. To our knowledge, this variant has not been reported in the literature. This variant is reported in 0.0083% of alleles in individuals of African descent in gnomAD. At this time, the clinical significance of this variant is uncertain due to the absence of conclusive functional and genetic evidence.

Revvity Omics, Revvity
Classification: Uncertain significance. Last evaluated: 2019-08-28. Review status: criteria provided, single submitter. Criteria: ACMG Guidelines, 2015. Collection method: clinical testing. Allele origin: germline.

GeneDx
Classification: Likely benign. Last evaluated: 2018-03-02. Review status: criteria provided, single submitter. Criteria: GeneDx Variant Classification (06012015). Collection method: clinical testing. Allele origin: germline. Affected: yes.
Comment: This variant is considered likely benign or benign based on one or more of the following criteria: it is a conservative change, it occurs at a poorly conserved position in the protein, it is predicted to be benign by multiple in silico algorithms, and/or has population frequency not consistent with disease.

Labcorp Genetics (formerly Invitae), Labcorp
Classification: Uncertain significance for Dilated cardiomyopathy 1G; Autosomal recessive limb-girdle muscular dystrophy type 2J. Last evaluated: 2017-10-25. Review status: criteria provided, single submitter. Criteria: Invitae Variant Classification Sherloc (09022015). Collection method: clinical testing. Allele origin: germline.

Eurofins Ntd Llc (ga)
Classification: Uncertain significance. Last evaluated: 2017-01-18. Review status: criteria provided, single submitter. Criteria: EGL Classification Definitions 2015. Collection method: clinical testing. Allele origin: germline. Observed: 4 variant alleles, 4 heterozygotes.

Biesecker Lab/Clinical Genomics Section, National Institutes of Health
Classification: Uncertain significance. Last evaluated: 2013-06-24. Review status: criteria provided, single submitter. Criteria: Ng et al. (Circ Cardiovasc Genet. 2013). Collection method: research. Allele origin: unknown. Observed: 1 variant allele. Study: ClinSeq.
Comment: The study set was not selected for affection status in relation to any cancer. Pathogenicity categories were based on literature curation. See Pubmed ID:23861362 for details.

Medical sequencing

NM_001267550.2(TTN):c.27193T>C (p.Cys9065Arg)

Gene: TTN (titin; minus strand). Cytogenetic location: 2q31.2.
Variant type: single nucleotide variant.
Coding change: c.27193T>C on transcript NM_001267550.2 (MANE Select); coding-DNA position 27193, T replaced by C.
Protein change: p.Cys9065Arg; replaces cysteine 9065 with arginine.
Molecular consequence: missense variant. On other transcripts: intron variant (3).
Genome position (GRCh38, 1-based): chr2:178,712,832, A>G on the plus strand (T>C on the coding strand, the complement: TTN is on the minus strand). VCF-style: chr2-178712832-A-G. GRCh37 (hg19) VCF-style: chr2-179577559-A-G.
Other names: p.Cys8748Arg; c.26242T>C, p.Cys8748Arg (NM_001256850.1); c.23461T>C, p.Cys7821Arg (NM_133378.4); c.13282+25250T>C (NM_003319.4); c.13858+25250T>C (NM_133437.4); c.13657+25250T>C (NM_133432.3); short protein forms C7821R, C9065R, C8748R.
Identifiers: ClinVar variation 192006 (VCV000192006.20), dbSNP rs201229221, ClinGen allele CA238084.